The following is an entry in ClinVar:

ClinVar aggregate classification (germline): Uncertain significance (1 of 4 stars; one submission).

Allele frequency attached by ClinVar (database versions not stated): gnomAD exomes below 0.00001; gnomAD 0.00001; TOPMed 0.00002.

Submission:

Labcorp Genetics (formerly Invitae), Labcorp
Classification: Uncertain significance. Last evaluated: 2025-12-15. Review status: criteria provided, single submitter. Criteria: Invitae Variant Classification Sherloc (09022015). Collection method: clinical testing. Allele origin: germline.
Comment: This sequence change replaces leucine, which is neutral and non-polar, with proline, which is neutral and non-polar, at codon 272 of the TNFRSF6B protein (p.Leu272Pro). This variant is not present in population databases (gnomAD no frequency). This variant has not been reported in the literature in individuals affected with TNFRSF6B-related conditions. ClinVar contains an entry for this variant (Variation ID: 2728997). An algorithm developed to predict the effect of missense changes on protein structure and function outputs the following: PolyPhen-2: "Probably Damaging". The proline amino acid residue is found in multiple mammalian species, which suggests that this missense change does not adversely affect protein function. In summary, the available evidence is currently insufficient to determine the role of this variant in disease. Therefore, it has been classified as a Variant of Uncertain Significance.

NM_003823.4(TNFRSF6B):c.815T>C (p.Leu272Pro)

Genes: RTEL1-TNFRSF6B (RTEL1-TNFRSF6B readthrough (NMD candidate); plus strand), TNFRSF6B (TNF receptor superfamily member 6b; plus strand). Cytogenetic location: 20q13.33.
Variant type: single nucleotide variant.
Coding change: c.815T>C on transcript NM_003823.4 (MANE Select); coding-DNA position 815, T replaced by C.
Protein change: p.Leu272Pro; replaces leucine 272 with proline.
Molecular consequence: missense variant. On other transcripts: non-coding transcript variant (1).
Genome position (GRCh38, 1-based): chr20:63,698,475, T>C. VCF-style: chr20-63698475-T-C. GRCh37 (hg19) VCF-style: chr20-62329828-T-C.
Other names: short protein forms L272P.
Identifiers: ClinVar variation 2728997 (VCV002728997.3), dbSNP rs2091035589, ClinGen allele CA409712196.
Genomic context (GRCh38, chr20:63,698,475, plus strand): 5'-CCTTGCAGCTGAAGCTGCGTCGGCGGCTCACGGAGCTCCTGGGGGCGCAGGACGGGGCGC[T>C]GCTGGTGCGGCTGCTGCAGGCGCTGCGCGTGGCCAGGATGCCCGGGCTGGAGCGGAGCGT-3'
Protein context (NP_003814.1, residues 262-282): TELLGAQDGA[Leu272Pro]LVRLLQALRV